The following is an entry in ClinVar:

ClinVar aggregate classification (germline): Uncertain significance (1 of 4 stars; one submission).

gnomAD v4.1: 2 of 1,614,136 alleles (0.00012%); highest among the groups gnomAD compares: Non-Finnish European, 0.00017%; no homozygotes.

Submission:

Labcorp Genetics (formerly Invitae), Labcorp
Classification: Uncertain significance. Last evaluated: 2025-03-24. Review status: criteria provided, single submitter. Criteria: Invitae Variant Classification Sherloc (09022015). Collection method: clinical testing. Allele origin: germline.
Comment: This sequence change replaces isoleucine, which is neutral and non-polar, with valine, which is neutral and non-polar, at codon 770 of the RFWD3 protein (p.Ile770Val). This variant is not present in population databases (gnomAD no frequency). This variant has not been reported in the literature in individuals affected with RFWD3-related conditions. An algorithm developed to predict the effect of missense changes on protein structure and function outputs the following: PolyPhen-2: "Benign". The valine amino acid residue is found in multiple mammalian species, which suggests that this missense change does not adversely affect protein function. In summary, the available evidence is currently insufficient to determine the role of this variant in disease. Therefore, it has been classified as a Variant of Uncertain Significance.

NM_018124.4(RFWD3):c.2308A>G (p.Ile770Val)

Gene: RFWD3 (ring finger and WD repeat domain 3; minus strand). Cytogenetic location: 16q23.1.
Variant type: single nucleotide variant.
Coding change: c.2308A>G on transcript NM_018124.4 (MANE Select); coding-DNA position 2308, A replaced by G.
Protein change: p.Ile770Val; replaces isoleucine 770 with valine.
Molecular consequence: missense variant.
Genome position (GRCh38, 1-based): chr16:74,623,945, T>C on the plus strand (A>G on the coding strand, the complement: RFWD3 is on the minus strand). VCF-style: chr16-74623945-T-C. GRCh37 (hg19) VCF-style: chr16-74657843-T-C.
Other names: c.2308A>G, p.Ile770Val (NM_001370534.1, NM_001370535.1); c.2131A>G, p.Ile711Val (NM_001370536.1); c.1474A>G, p.Ile492Val (NM_001370537.1, NM_001370539.1, NM_001370540.1 and 2 more transcripts); short protein forms I492V, I711V, I770V.
Identifiers: ClinVar variation 4780593 (VCV004780593.1).
Genomic context (GRCh38, chr16:74,623,945, plus strand): 5'-AACATCTAACCAGCAGCATGCCTTCAAGGTTTCGAGACCACAGTCACTCCCACTTATAGA[T>C]GTGGACCATCTTCTCTGTTAAGGTAGCCAAGTAGCTGTTACGGTTCACCTCAAATGGGCA-3'
Protein context (NP_060594.3, residues 760-774): LATLTEKMVH[Ile770Val]YKWE